The following is an entry in ClinVar:

ClinVar aggregate classification (germline): Likely pathogenic (1 of 4 stars; one submission).

Conditions:
Dilated cardiomyopathy 1G (CMD1G). Identifiers: Orphanet 154, MedGen C1858763, MONDO:0011400, OMIM 604145.
Autosomal recessive limb-girdle muscular dystrophy type 2J (LGMDR10). Also called: Limb-girdle muscular dystrophy, type 2J; MUSCULAR DYSTROPHY, LIMB-GIRDLE, AUTOSOMAL RECESSIVE 10. Identifiers: Orphanet 140922, MedGen C1837342, MONDO:0012127, OMIM 608807.

Submission:

Labcorp Genetics (formerly Invitae), Labcorp
Classification: Likely pathogenic for Dilated cardiomyopathy 1G; Autosomal recessive limb-girdle muscular dystrophy type 2J. Last evaluated: 2022-05-14. Review status: criteria provided, single submitter. Criteria: Invitae Variant Classification Sherloc (09022015). Collection method: clinical testing. Allele origin: germline.
Comment: This premature translational stop signal has been observed in individual(s) with dilated cardiomyopathy (PMID: 31983221). In summary, the currently available evidence indicates that the variant is pathogenic, but additional data are needed to prove that conclusively. Therefore, this variant has been classified as Likely Pathogenic. This variant is located in the A band of TTN (PMID: 25589632). Truncating variants in this region are significantly overrepresented in patients affected with dilated cardiomyopathy (PMID: 25589632). Truncating variants in this region have also been reported in individuals affected with autosomal recessive centronuclear myopathy (PMID: 23975875). This variant is not present in population databases (gnomAD no frequency). This sequence change creates a premature translational stop signal (p.Thr27879Glnfs*41) in the TTN gene. While this is not anticipated to result in nonsense mediated decay, it is expected to create a truncated TTN protein.

Literature cited by the submitters: PubMed 31983221; PubMed 25589632; PubMed 23975875.

NM_001267550.2(TTN):c.83635del (p.Thr27879fs)

Genes: TTN-AS1 (TTN antisense RNA 1; plus strand), TTN (titin; minus strand). Cytogenetic location: 2q31.2.
Variant type: Deletion.
Coding change: c.83635del on transcript NM_001267550.2 (MANE Select); coding-DNA position 83635, one base deleted (A; older notation c.83635delA).
Protein change: p.Thr27879fs; shifts the reading frame from threonine 27879.
Molecular consequence: frameshift variant.
Genome position (GRCh38, 1-based): chr2:178,562,497, T deleted on the plus strand (A on the coding strand, the reverse complement: TTN is on the minus strand). VCF-style (leftmost placement, unchanged base first): chr2-178562496-GT-G. GRCh37 (hg19) VCF-style: chr2-179427223-GT-G.
Other names: c.78712del, p.Thr26238fs (NM_001256850.1); c.56440del, p.Thr18814fs (NM_003319.4); c.75931del, p.Thr25311fs (NM_133378.4); c.56815del, p.Thr18939fs (NM_133432.3); c.57016del, p.Thr19006fs (NM_133437.4); short protein forms T18814fs, T27879fs, T25311fs, T26238fs, T18939fs, T19006fs.
Identifiers: ClinVar variation 1929283 (VCV001929283.5), dbSNP rs2469730194, ClinGen allele CA2580064587.